The following is an entry in ClinVar:

ClinVar aggregate classification (germline): Uncertain significance (1 of 4 stars; one submission).

Allele frequency attached by ClinVar (database versions not stated): gnomAD exomes below 0.00001; ExAC 0.00001.
gnomAD v4.1: 2 of 1,613,400 alleles (0.00012%); highest among the groups gnomAD compares: Non-Finnish European, 0.00017%; no homozygotes.

Submission:

Labcorp Genetics (formerly Invitae), Labcorp
Classification: Uncertain significance. Last evaluated: 2023-09-08. Review status: criteria provided, single submitter. Criteria: Invitae Variant Classification Sherloc (09022015). Collection method: clinical testing. Allele origin: germline.
Comment: This sequence change replaces leucine, which is neutral and non-polar, with phenylalanine, which is neutral and non-polar, at codon 585 of the GEN1 protein (p.Leu585Phe). This variant is present in population databases (rs751769424, gnomAD 0.002%). This variant has not been reported in the literature in individuals affected with GEN1-related conditions. An algorithm developed to predict the effect of missense changes on protein structure and function (PolyPhen-2) suggests that this variant is likely to be disruptive. In summary, the available evidence is currently insufficient to determine the role of this variant in disease. Therefore, it has been classified as a Variant of Uncertain Significance.

NM_001130009.3(GEN1):c.1755G>C (p.Leu585Phe)

Gene: GEN1 (GEN1 structure-specific endonuclease; plus strand). Cytogenetic location: 2p24.2.
Variant type: single nucleotide variant.
Coding change: c.1755G>C on transcript NM_001130009.3 (MANE Select); coding-DNA position 1755, G replaced by C.
Protein change: p.Leu585Phe; replaces leucine 585 with phenylalanine.
Molecular consequence: missense variant.
Genome position (GRCh38, 1-based): chr2:17,780,967, G>C. VCF-style: chr2-17780967-G-C. GRCh37 (hg19) VCF-style: chr2-17962234-G-C.
Other names: c.1755G>C, p.Leu585Phe (NM_182625.5); short protein forms L585F.
Identifiers: ClinVar variation 2961370 (VCV002961370.3), dbSNP rs751769424, ClinGen allele CA1540826.